The following is an entry in ClinVar:

NM_001692.4(ATP6V1B1):c.18C>G (p.Asp6Glu)

Gene: ATP6V1B1 (ATPase H+ transporting V1 subunit B1; plus strand). Cytogenetic location: 2p13.3.
Variant type: single nucleotide variant.
Coding change: c.18C>G on transcript NM_001692.4 (MANE Select); coding-DNA position 18, C replaced by G.
Protein change: p.Asp6Glu; replaces aspartic acid 6 with glutamic acid.
Molecular consequence: missense variant.
Genome position (GRCh38, 1-based): chr2:70,935,972, C>G. VCF-style: chr2-70935972-C-G. GRCh37 (hg19) VCF-style: chr2-71163102-C-G.
Other names: short protein forms D6E.
Identifiers: ClinVar variation 1801127 (VCV001801127.1), dbSNP rs2104795225, ClinGen allele CA347176697.

ClinVar aggregate classification (germline): Uncertain significance (1 of 4 stars; one submission).

gnomAD v4.1: 3 of 1,613,782 alleles (0.00019%); highest among the groups gnomAD compares: Non-Finnish European, 0.00025%; no homozygotes.

Submission:

GeneDx
Classification: Uncertain significance. Last evaluated: 2022-05-24. Review status: criteria provided, single submitter. Criteria: GeneDx Variant Classification Process June 2021. Collection method: clinical testing. Allele origin: germline. Affected: yes.
Comment: Not observed at significant frequency in large population cohorts (gnomAD); In silico analysis supports that this missense variant does not alter protein structure/function; Has not been previously published as pathogenic or benign to our knowledge